The following is an entry in ClinVar:

NM_005120.3(MED12):c.1924_1974+17dup

Gene: MED12 (mediator complex subunit 12; plus strand). Cytogenetic location: Xq13.1.
Variant type: Duplication.
Coding change: c.1924_1974+17dup on transcript NM_005120.3 (MANE Select); coding-DNA position 1924 through 17 bases into the intron after coding-DNA position 1974, 68 bases duplicated.
Molecular consequence: splice donor variant.
Genome position (GRCh38, 1-based): chrX:71,124,338-71,124,405, 68 bases duplicated. GRCh37 (hg19): chrX:70,344,188-70,344,255.
Identifiers: ClinVar variation 1975728 (VCV001975728.5), dbSNP rs2519675600, ClinGen allele CA2580101313.

ClinVar aggregate classification (germline): Pathogenic (1 of 4 stars; one submission).

Conditions:
FG syndrome (FGS). Identifiers: MedGen C0220769, MONDO:0002010.

Submission:

Labcorp Genetics (formerly Invitae), Labcorp
Classification: Pathogenic for FG syndrome. Last evaluated: 2022-11-07. Review status: criteria provided, single submitter. Criteria: Invitae Variant Classification Sherloc (09022015). Collection method: clinical testing. Allele origin: germline.
Comment: For these reasons, this variant has been classified as Pathogenic. Algorithms developed to predict the effect of sequence changes on RNA splicing suggest that this variant may create or strengthen a splice site. This variant has been observed in individual(s) with clinical features of MED12-related conditions (Invitae). In at least one individual the variant was observed to be de novo. This variant is not present in population databases (gnomAD no frequency). This sequence change falls in intron 13 of the MED12 gene. It does not directly change the encoded amino acid sequence of the MED12 protein.